The following is an entry in ClinVar:

ClinVar aggregate classification (germline): Likely benign. Review status: criteria provided, multiple submitters, no conflicts (2 of 4 stars). 2 submissions from 2 submitters: Likely benign (2). Last evaluated 2025-03-18.

gnomAD v4.1: 9 of 1,525,592 alleles (0.00059%); highest among the groups gnomAD compares: Admixed American, 0.0021%; no homozygotes.

Submissions (2):

Women's Health and Genetics/Laboratory Corporation of America, LabCorp
Classification: Likely benign. Last evaluated: 2025-03-18. Review status: criteria provided, single submitter. Criteria: LabCorp Variant Classification Summary - May 2015. Collection method: clinical testing. Allele origin: germline.
Comment: Variant summary: AEBP1 c.1425C>T alters a non-conserved nucleotide resulting in a synonymous change. Consensus agreement among computation tools predict no significant impact on normal splicing. However, these predictions have yet to be confirmed by functional studies. The variant allele was found at a frequency of 2.7e-05 in 186650 control chromosomes. The available data on variant occurrences in the general population are insufficient to allow any conclusion about variant significance. To our knowledge, no occurrence of c.1425C>T in individuals affected with Ehlers-Danlos syndrome, classic-like, 2 and no experimental evidence demonstrating its impact on protein function have been reported. ClinVar contains an entry for this variant (Variation ID: 3697851). Based on the evidence outlined above, the variant was classified as likely benign.

Labcorp Genetics (formerly Invitae), Labcorp
Classification: Likely benign. Last evaluated: 2024-02-02. Review status: criteria provided, single submitter. Criteria: Invitae Variant Classification Sherloc (09022015). Collection method: clinical testing. Allele origin: germline.

NM_001129.5(AEBP1):c.1425C>T (p.Phe475=)

Gene: AEBP1 (AE binding protein 1; plus strand). Cytogenetic location: 7p13.
Variant type: single nucleotide variant.
Coding change: c.1425C>T on transcript NM_001129.5 (MANE Select); coding-DNA position 1425, C replaced by T.
Protein change: p.Phe475=; no amino-acid change (phenylalanine 475 retained).
Molecular consequence: synonymous variant.
Genome position (GRCh38, 1-based): chr7:44,110,749, C>T. VCF-style: chr7-44110749-C-T. GRCh37 (hg19) VCF-style: chr7-44150348-C-T.
Identifiers: ClinVar variation 3697851 (VCV003697851.3).